The following is an entry in ClinVar:

ClinVar aggregate classification (germline): Uncertain significance. Review status: criteria provided, multiple submitters, no conflicts (2 of 4 stars). 2 submissions from 2 submitters: Uncertain significance (2). Last evaluated 2022-08-05.

Allele frequency attached by ClinVar (database versions not stated): TOPMed below 0.00001; ExAC 0.00001; gnomAD 0.00001; gnomAD exomes 0.00001; ESP Exome Variant Server 0.00008.
gnomAD v4.1: 20 of 1,613,890 alleles (0.0012%); highest among the groups gnomAD compares: Non-Finnish European, 0.0016%; no homozygotes.

Submissions (2):

Labcorp Genetics (formerly Invitae), Labcorp
Classification: Uncertain significance. Last evaluated: 2022-08-05. Review status: criteria provided, single submitter. Criteria: Invitae Variant Classification Sherloc (09022015). Collection method: clinical testing. Allele origin: germline.
Comment: This sequence change replaces proline, which is neutral and non-polar, with arginine, which is basic and polar, at codon 2311 of the CDH23 protein (p.Pro2311Arg). This variant is present in population databases (rs368449271, gnomAD 0.0009%). This variant has not been reported in the literature in individuals affected with CDH23-related conditions. Algorithms developed to predict the effect of missense changes on protein structure and function are either unavailable or do not agree on the potential impact of this missense change (SIFT: "Deleterious"; PolyPhen-2: "Not Available"; Align-GVGD: "Class C0"). In summary, the available evidence is currently insufficient to determine the role of this variant in disease. Therefore, it has been classified as a Variant of Uncertain Significance.

Blueprint Genetics
Classification: Uncertain significance. Last evaluated: 2019-12-09. Review status: criteria provided, single submitter. Criteria: ACMG Guidelines, 2015. Collection method: clinical testing. Allele origin: germline.

NM_022124.6(CDH23):c.6932C>G (p.Pro2311Arg)

Gene: CDH23 (cadherin related 23; plus strand). Cytogenetic location: 10q22.1.
Variant type: single nucleotide variant.
Coding change: c.6932C>G on transcript NM_022124.6 (MANE Select); coding-DNA position 6932, C replaced by G.
Protein change: p.Pro2311Arg; replaces proline 2311 with arginine.
Molecular consequence: missense variant.
Genome position (GRCh38, 1-based): chr10:71,798,456, C>G. VCF-style: chr10-71798456-C-G. GRCh37 (hg19) VCF-style: chr10-73558213-C-G.
Other names: c.212C>G, p.Pro71Arg (NM_001171933.1, NM_001171934.1); short protein forms P2311R, P71R.
Identifiers: ClinVar variation 2189996 (VCV002189996.2), dbSNP rs368449271, ClinGen allele CA5546226.
Genomic context (GRCh38, chr10:71,798,456, plus strand): 5'-CCCAGTTCAAGCCCTTTGGGATCACCTACTACATGGAGCGGATCCTGGAGGGGGCCACCC[C>G]TGGGACCACACTCATTGCTGTGGCAGCCGTGGACCCTGACAAGGGCCTTAATGGGCTGGT-3'
Protein context (NP_071407.4, residues 2301-2321): YMERILEGAT[Pro2311Arg]GTTLIAVAAV